The following is an entry in ClinVar:

NM_014804.3(KIAA0753):c.1920-1G>A

Gene: KIAA0753 (KIAA0753; minus strand). Cytogenetic location: 17p13.1.
Variant type: single nucleotide variant.
Coding change: c.1920-1G>A on transcript NM_014804.3 (MANE Select); the canonical splice acceptor site of the intron before coding-DNA position 1920, G replaced by A.
Molecular consequence: splice acceptor variant.
Genome position (GRCh38, 1-based): chr17:6,606,963, C>T on the plus strand (G>A on the coding strand, the complement: KIAA0753 is on the minus strand). VCF-style: chr17-6606963-C-T. GRCh37 (hg19) VCF-style: chr17-6510283-C-T.
Other names: c.1023-1G>A (NM_001351225.2).
Identifiers: ClinVar variation 2002064 (VCV002002064.4), dbSNP rs2544389796, ClinGen allele CA397407699.
Genomic context (GRCh38, chr17:6,606,963, plus strand): 5'-GCTTTGAGCTCATTCAGTTCCTTTGTTCTTCTAGAAGTTTCAGCATCAAGCCAATCAAGC[C>T]TAGAGAACAGTATCAAGAGTCACCCCAACTCTCCTCAAGGCAGAGTCAGGGCTCCCTTGA-3'

ClinVar aggregate classification (germline): Likely pathogenic (1 of 4 stars; one submission).

Submission:

Labcorp Genetics (formerly Invitae), Labcorp
Classification: Likely pathogenic. Last evaluated: 2022-10-28. Review status: criteria provided, single submitter. Criteria: Invitae Variant Classification Sherloc (09022015). Collection method: clinical testing. Allele origin: germline.
Comment: In summary, the currently available evidence indicates that the variant is pathogenic, but additional data are needed to prove that conclusively. Therefore, this variant has been classified as Likely Pathogenic. Algorithms developed to predict the effect of sequence changes on RNA splicing suggest that this variant may disrupt the consensus splice site. This variant has not been reported in the literature in individuals affected with KIAA0753-related conditions. This variant is not present in population databases (gnomAD no frequency). This sequence change affects an acceptor splice site in intron 11 of the KIAA0753 gene. It is expected to disrupt RNA splicing. Variants that disrupt the donor or acceptor splice site typically lead to a loss of protein function (PMID: 16199547), and loss-of-function variants in KIAA0753 are known to be pathogenic (PMID: 29138412).

Literature cited by the submitters: PubMed 16199547; PubMed 29138412.